The following is an entry in ClinVar:

NM_012210.4(TRIM32):c.1289C>T (p.Thr430Ile)

Genes: ASTN2 (astrotactin 2; minus strand), TRIM32 (tripartite motif containing 32; plus strand). Cytogenetic location: 9q33.1.
Variant type: single nucleotide variant.
Coding change: c.1289C>T on transcript NM_012210.4 (MANE Select); coding-DNA position 1289, C replaced by T.
Protein change: p.Thr430Ile; replaces threonine 430 with isoleucine.
Molecular consequence: missense variant. On other transcripts: intron variant (3).
Genome position (GRCh38, 1-based): chr9:116,699,031, C>T. VCF-style: chr9-116699031-C-T. GRCh37 (hg19) VCF-style: chr9-119461310-C-T.
Other names: c.1289C>T, p.Thr430Ile (NM_001099679.2, NM_001379048.1, NM_001379049.1 and 1 more transcripts); c.2653+26740G>A (NM_014010.5); c.2794+26740G>A (NM_001365069.1); c.2806+26740G>A (NM_001365068.1); short protein forms T430I.
Identifiers: ClinVar variation 3344703 (VCV003344703.2).

ClinVar aggregate classification (germline): Uncertain significance. Review status: criteria provided, single submitter (1 of 4 stars). 2 submissions from 2 submitters: Uncertain significance (1). 1 of the submissions does not count toward it. Last evaluated 2024-04-03.

Conditions:
Bardet-Biedl syndrome 11 (BBS11). Identifiers: Orphanet 110, MedGen C1859569, MONDO:0014439, OMIM 615988.
Sarcotubular myopathy (LGMDR8). Also called: Hutterite type of muscular dystrophy; Limb-girdle muscular dystrophy, type 2H; Autosomal recessive limb-girdle muscular dystrophy type 2H; MUSCULAR DYSTROPHY, LIMB-GIRDLE, AUTOSOMAL RECESSIVE 8. Identifiers: Orphanet 1878, MedGen C0270968, MONDO:0009683, OMIM 254110.
TRIM32-related disorder. Also called: TRIM32-related condition.

gnomAD v4.1: 1 of 1,614,048 alleles (0.000062%); highest among the groups gnomAD compares: Non-Finnish European, 0.000085%; no homozygotes.

Submissions (2):

Fulgent Genetics
Classification: Uncertain significance for Sarcotubular myopathy; Bardet-Biedl syndrome 11. Last evaluated: 2024-04-03. Review status: criteria provided, single submitter. Criteria: ACMG Guidelines, 2015. Collection method: clinical testing. Allele origin: germline.

PreventionGenetics, part of Exact Sciences
Classification: Uncertain significance for TRIM32-related condition. Last evaluated: 2024-06-28. Review status: no assertion criteria provided. Collection method: clinical testing. Allele origin: germline. Not counted in ClinVar's aggregate classification.
Comment: The TRIM32 c.1289C>T variant is predicted to result in the amino acid substitution p.Thr430Ile. To our knowledge, this variant has not been reported in the literature. This variant is reported in 0.0065% of alleles in individuals of European (Non-Finnish) descent in gnomAD. At this time, the clinical significance of this variant is uncertain due to the absence of conclusive functional and genetic evidence.